The following is an entry in ClinVar:

NM_182931.3(KMT2E):c.3907T>A (p.Ser1303Thr)

Gene: KMT2E (lysine methyltransferase 2E (inactive); plus strand). Cytogenetic location: 7q22.3.
Variant type: single nucleotide variant.
Coding change: c.3907T>A on transcript NM_182931.3 (MANE Select); coding-DNA position 3907, T replaced by A.
Protein change: p.Ser1303Thr; replaces serine 1303 with threonine.
Molecular consequence: missense variant. On other transcripts: intron variant (1).
Genome position (GRCh38, 1-based): chr7:105,110,539, T>A. VCF-style: chr7-105110539-T-A. GRCh37 (hg19) VCF-style: chr7-104750986-T-A.
Other names: c.3907T>A, p.Ser1303Thr (NM_018682.4); c.3844+171T>A (NM_001410908.1); short protein forms S1303T.
Identifiers: ClinVar variation 4705289 (VCV004705289.1).

ClinVar aggregate classification (germline): Uncertain significance (1 of 4 stars; one submission).

gnomAD v4.1: 21 of 1,614,150 alleles (0.0013%); highest among the groups gnomAD compares: South Asian, 0.023%; no homozygotes.

Submission:

Labcorp Genetics (formerly Invitae), Labcorp
Classification: Uncertain significance. Last evaluated: 2025-11-17. Review status: criteria provided, single submitter. Criteria: Invitae Variant Classification Sherloc (09022015). Collection method: clinical testing. Allele origin: germline.
Comment: This sequence change replaces serine, which is neutral and polar, with threonine, which is neutral and polar, at codon 1303 of the KMT2E protein (p.Ser1303Thr). This variant is present in population databases (rs756838715, gnomAD 0.02%). This variant has not been reported in the literature in individuals affected with KMT2E-related conditions. Invitae Evidence Modeling of protein sequence and biophysical properties (such as structural, functional, and spatial information, amino acid conservation, physicochemical variation, residue mobility, and thermodynamic stability) indicates that this missense variant is not expected to disrupt KMT2E protein function with a negative predictive value of 80%. In summary, the available evidence is currently insufficient to determine the role of this variant in disease. Therefore, it has been classified as a Variant of Uncertain Significance.